The following is an entry in ClinVar:

NM_001256317.3(TMPRSS3):c.296A>G (p.Lys99Arg)

Gene: TMPRSS3 (transmembrane serine protease 3; minus strand). Cytogenetic location: 21q22.3.
Variant type: single nucleotide variant.
Coding change: c.296A>G on transcript NM_001256317.3 (MANE Select); coding-DNA position 296, A replaced by G.
Protein change: p.Lys99Arg; replaces lysine 99 with arginine.
Molecular consequence: missense variant. On other transcripts: 5 prime UTR variant (1).
Genome position (GRCh38, 1-based): chr21:42,388,955, T>C on the plus strand (A>G on the coding strand, the complement: TMPRSS3 is on the minus strand). VCF-style: chr21-42388955-T-C. GRCh37 (hg19) VCF-style: chr21-43809064-T-C.
Other names: c.296A>G, p.Lys99Arg (NM_024022.4, NM_032405.2); c.-86A>G (NM_032404.3); short protein forms K99R.
Identifiers: ClinVar variation 451538 (VCV000451538.2), dbSNP rs745864701, ClinGen allele CA10042689.

ClinVar aggregate classification (germline): Uncertain significance (1 of 4 stars; one submission).

Allele frequency attached by ClinVar (database versions not stated): gnomAD exomes 0.00003; TOPMed 0.00003; ExAC 0.00001; gnomAD 0.00002.

Submission:

GeneDx
Classification: Uncertain significance. Last evaluated: 2017-08-24. Review status: criteria provided, single submitter. Criteria: GeneDx Variant Classification (06012015). Collection method: clinical testing. Allele origin: germline. Affected: yes.
Comment: The K99R variant in the TMPRSS3 gene has not been reported previously as a pathogenic variant, nor as a benign variant, to our knowledge. The K99R variant is observed in 1/66672 (0.0015%) alleles from individuals of non-Finnish European background in the ExAC dataset (Lek et al., 2016). The K99R variant is a conservative amino acid substitution, which is not likely to impact secondary protein structure as these residues share similar properties. This substitution occurs at a position that is not conserved. In silico analysis predicts this variant likely does not alter the protein structure/function. We interpret K99R as a variant of uncertain significance.